The following is an entry in ClinVar:

ClinVar aggregate classification (germline): Likely pathogenic (1 of 4 stars; one submission).

gnomAD v4.1: 1 of 1,612,504 alleles (0.000062%); highest among the groups gnomAD compares: Non-Finnish European, 0.000085%; no homozygotes.

Submission:

Labcorp Genetics (formerly Invitae), Labcorp
Classification: Likely pathogenic. Last evaluated: 2023-08-24. Review status: criteria provided, single submitter. Criteria: Invitae Variant Classification Sherloc (09022015). Collection method: clinical testing. Allele origin: germline.
Comment: This variant is not present in population databases (gnomAD no frequency). This sequence change affects a donor splice site in intron 60 of the LRP2 gene. It is expected to disrupt RNA splicing. Variants that disrupt the donor or acceptor splice site typically lead to a loss of protein function (PMID: 16199547), and loss-of-function variants in LRP2 are known to be pathogenic (PMID: 17632512, 25682901). This variant has not been reported in the literature in individuals affected with LRP2-related conditions. In summary, the currently available evidence indicates that the variant is pathogenic, but additional data are needed to prove that conclusively. Therefore, this variant has been classified as Likely Pathogenic. Algorithms developed to predict the effect of sequence changes on RNA splicing suggest that this variant may disrupt the consensus splice site.

Literature cited by the submitters: PubMed 16199547; PubMed 17632512; PubMed 25682901.

NM_004525.3(LRP2):c.11497+1G>C

Gene: LRP2 (LDL receptor related protein 2; minus strand). Cytogenetic location: 2q31.1.
Variant type: single nucleotide variant.
Coding change: c.11497+1G>C on transcript NM_004525.3 (MANE Select); the canonical splice donor site of the intron after coding-DNA position 11497, G replaced by C.
Molecular consequence: splice donor variant.
Genome position (GRCh38, 1-based): chr2:169,169,701, C>G on the plus strand (G>C on the coding strand, the complement: LRP2 is on the minus strand). VCF-style: chr2-169169701-C-G. GRCh37 (hg19) VCF-style: chr2-170026211-C-G.
Identifiers: ClinVar variation 2754815 (VCV002754815.3), dbSNP rs1195513248, ClinGen allele CA349141665.